The following is an entry in ClinVar:

NM_005422.4(TECTA):c.4470_4476dup (p.Gly1493fs)

Genes: TBCEL-TECTA (TBCEL-TECTA readthrough; plus strand), TECTA (tectorin alpha; plus strand). Cytogenetic location: 11q23.3.
Variant type: Duplication.
Coding change: c.4470_4476dup on transcript NM_005422.4 (MANE Select); coding-DNA positions 4470 to 4476, 7 bases duplicated (CGGCGGC; older notation c.4470_4476dupCGGCGGC).
Protein change: p.Gly1493fs; shifts the reading frame from glycine 1493.
Molecular consequence: frameshift variant.
Genome position (GRCh38, 1-based): chr11:121,158,005-121,158,011, CGGCGGC duplicated; duplicating any 7 consecutive bases within chr11:121,157,999-121,158,011 gives the same sequence; the c. name uses the placement nearest the transcript's 3' end. VCF-style (leftmost placement, unchanged base first): chr11-121157998-T-TGGCGGCC. GRCh37 (hg19) VCF-style: chr11-121028707-T-TGGCGGCC.
Other names: c.5427_5433dup, p.Gly1812fs (NM_001378761.1); short protein forms G1493fs, G1812fs.
Identifiers: ClinVar variation 3601873 (VCV003601873.1).
Genomic context (GRCh38, chr11:121,157,998, plus strand): 5'-AGGAGTGTGCGCTGCGCAACGGGGTGCGCGGCTGCTTCAGCACCAAGACCTCCTACTGCC[T>TGGCGGCC]GGCGGCCGGCGGCGGCGTCTTCCGCACCTTCGACGGCGCCTTCCTGCGCTTCCCAGCCAA-3'

ClinVar aggregate classification (germline): Likely pathogenic (1 of 4 stars; one submission).

Conditions:
Autosomal recessive nonsyndromic hearing loss 21. Identifiers: Orphanet 90636, MedGen C1863655, MONDO:0011351, OMIM 603629.

Submission:

Institute of Rare Diseases, West China Hospital, Sichuan University
Classification: Likely pathogenic for Autosomal recessive nonsyndromic hearing loss 21. Last evaluated: 2025-01-09. Review status: criteria provided, single submitter. Criteria: ClinGen HL ACMG Specifications v1. Collection method: research. Allele origin: germline. Affected: yes.
Comment: PVS1;PM2_Supporting